The following is an entry in ClinVar:

ClinVar aggregate classification (germline): Uncertain significance (1 of 4 stars; one submission).

Conditions:
Familial thoracic aortic aneurysm and aortic dissection (TAAD). Also called: Thoracic aortic aneurysms and dissections. Identifiers: Orphanet 91387, MedGen C4707243, MONDO:0019625.

Submission:

Color Diagnostics, LLC DBA Color Health
Classification: Uncertain significance for Familial thoracic aortic aneurysm and aortic dissection. Last evaluated: 2025-08-28. Review status: criteria provided, single submitter. Criteria: ACMG Guidelines, 2015. Collection method: clinical testing. Allele origin: germline.
Comment: This missense variant replaces tyrosine with histidine at codon 2272 of the FBN1 protein. Computational prediction suggests that this variant may have deleterious impact on protein structure and function. To our knowledge, functional studies have not been reported for this variant. This variant has not been reported in individuals affected with FBN1-related disorders in the literature. This variant has been identified in 1/251282 chromosomes in the general population by the Genome Aggregation Database (gnomAD). The available evidence is insufficient to determine the role of this variant in disease conclusively. Therefore, this variant is classified as a Variant of Uncertain Significance.

NM_000138.5(FBN1):c.6814T>C (p.Tyr2272His)

Gene: FBN1 (fibrillin 1; minus strand). Cytogenetic location: 15q21.1.
Variant type: single nucleotide variant.
Coding change: c.6814T>C on transcript NM_000138.5 (MANE Select); coding-DNA position 6814, T replaced by C.
Protein change: p.Tyr2272His; replaces tyrosine 2272 with histidine.
Molecular consequence: missense variant.
Genome position (GRCh38, 1-based): chr15:48,430,728, A>G on the plus strand (T>C on the coding strand, the complement: FBN1 is on the minus strand). VCF-style: chr15-48430728-A-G. GRCh37 (hg19) VCF-style: chr15-48722925-A-G.
Other names: c.6814T>C, p.Tyr2272His (NM_001406716.1); short protein forms Y2272H.
Identifiers: ClinVar variation 4758034 (VCV004758034.1).